The following is an entry in ClinVar:

ClinVar aggregate classification (germline): Uncertain significance. Review status: criteria provided, multiple submitters, no conflicts (2 of 4 stars). 3 submissions from 3 submitters: Uncertain significance (2). 1 of the submissions does not count toward it. Last evaluated 2024-06-27.

Conditions:
NR2E3-related disorder. Also called: NR2E3-related disorders; NR2E3-related condition. Identifiers: MedGen CN239387.

Allele frequency attached by ClinVar (database versions not stated): gnomAD exomes below 0.00001; TOPMed below 0.00001; gnomAD 0.00001.

Submissions (3):

Blueprint Genetics
Classification: Uncertain significance. Last evaluated: 2024-06-27. Review status: criteria provided, single submitter. Criteria: ACMG Guidelines, 2015. Collection method: clinical testing. Allele origin: germline.

Labcorp Genetics (formerly Invitae), Labcorp
Classification: Uncertain significance. Last evaluated: 2022-09-05. Review status: criteria provided, single submitter. Criteria: Invitae Variant Classification Sherloc (09022015). Collection method: clinical testing. Allele origin: germline.
Comment: This sequence change replaces serine, which is neutral and polar, with asparagine, which is neutral and polar, at codon 258 of the NR2E3 protein (p.Ser258Asn). This variant is present in population databases (no rsID available, gnomAD 0.002%). This variant has not been reported in the literature in individuals affected with NR2E3-related conditions. Algorithms developed to predict the effect of missense changes on protein structure and function output the following: SIFT: "Not Available"; PolyPhen-2: "Not Available"; Align-GVGD: "Not Available". The asparagine amino acid residue is found in multiple mammalian species, which suggests that this missense change does not adversely affect protein function. In summary, the available evidence is currently insufficient to determine the role of this variant in disease. Therefore, it has been classified as a Variant of Uncertain Significance.

PreventionGenetics, part of Exact Sciences
Classification: Uncertain significance for NR2E3-related condition. Last evaluated: 2024-09-05. Review status: no assertion criteria provided. Collection method: clinical testing. Allele origin: germline. Not counted in ClinVar's aggregate classification.
Comment: The NR2E3 c.773G>A variant is predicted to result in the amino acid substitution p.Ser258Asn. To our knowledge, this variant has not been reported in the literature. This variant is reported in 0.0018% of alleles in individuals of European (Non-Finnish) descent in gnomAD. At this time, the clinical significance of this variant is uncertain due to the absence of conclusive functional and genetic evidence.

NM_014249.4(NR2E3):c.773G>A (p.Ser258Asn)

Gene: NR2E3 (nuclear receptor subfamily 2 group E member 3; plus strand). Cytogenetic location: 15q23.
Variant type: single nucleotide variant.
Coding change: c.773G>A on transcript NM_014249.4 (MANE Select); coding-DNA position 773, G replaced by A.
Protein change: p.Ser258Asn; replaces serine 258 with asparagine.
Molecular consequence: missense variant.
Genome position (GRCh38, 1-based): chr15:71,813,414, G>A. VCF-style: chr15-71813414-G-A. GRCh37 (hg19) VCF-style: chr15-72105754-G-A.
Other names: c.773G>A, p.Ser258Asn (NM_016346.4); c.773G>A (NM_014249.3); short protein forms S258N.
Identifiers: ClinVar variation 2168364 (VCV002168364.3), dbSNP rs1172958684, ClinGen allele CA393036267.